The following is an entry in ClinVar:

ClinVar aggregate classification (germline): Uncertain significance (1 of 4 stars; one submission).

Conditions:
Multiple endocrine neoplasia, type 1 (MEN1). Also called: MEA I; MEN I; WERMER SYNDROME; Endocrine adenomatosis multiple; MEN 1. Identifiers: Orphanet 652, MedGen C0025267, MeSH D018761, MONDO:0007540, OMIM 131100.

Submission:

Labcorp Genetics (formerly Invitae), Labcorp
Classification: Uncertain significance for Multiple endocrine neoplasia, type 1. Last evaluated: 2025-02-04. Review status: criteria provided, single submitter. Criteria: Invitae Variant Classification Sherloc (09022015). Collection method: clinical testing. Allele origin: germline.
Comment: This sequence change replaces proline, which is neutral and non-polar, with leucine, which is neutral and non-polar, at codon 483 of the MEN1 protein (p.Pro483Leu). This variant is not present in population databases (gnomAD no frequency). This variant has not been reported in the literature in individuals affected with MEN1-related conditions. ClinVar contains an entry for this variant (Variation ID: 836841). Invitae Evidence Modeling of protein sequence and biophysical properties (such as structural, functional, and spatial information, amino acid conservation, physicochemical variation, residue mobility, and thermodynamic stability) has been performed for this missense variant. However, the output from this modeling did not meet the statistical confidence thresholds required to predict the impact of this variant on MEN1 protein function. In summary, the available evidence is currently insufficient to determine the role of this variant in disease. Therefore, it has been classified as a Variant of Uncertain Significance.

NM_001370259.2(MEN1):c.1448C>T (p.Pro483Leu)

Gene: MEN1 (menin 1; minus strand). Cytogenetic location: 11q13.1.
Variant type: single nucleotide variant.
Coding change: c.1448C>T on transcript NM_001370259.2 (MANE Select); coding-DNA position 1448, C replaced by T.
Protein change: p.Pro483Leu; replaces proline 483 with leucine.
Molecular consequence: missense variant.
Genome position (GRCh38, 1-based): chr11:64,804,719, G>A on the plus strand (C>T on the coding strand, the complement: MEN1 is on the minus strand). VCF-style: chr11-64804719-G-A. GRCh37 (hg19) VCF-style: chr11-64572191-G-A.
Other names: c.1343C>T, p.Pro448Leu (NM_001370263.2, NM_001370262.2); c.1448C>T, p.Pro483Leu (NM_130799.3, NM_001370260.2, NM_001370261.2); c.1463C>T, p.Pro488Leu (NM_130800.3, NM_130801.3, NM_130802.3 and 3 more transcripts); c.1574C>T, p.Pro525Leu (NM_001370251.2); short protein forms P448L, P483L, P488L, P525L.
Identifiers: ClinVar variation 836841 (VCV000836841.10), dbSNP rs1941548759, ClinGen allele CA381179262.